The following is an entry in ClinVar:

NM_181458.4(PAX3):c.367del (p.Arg123fs)

Gene: PAX3 (paired box 3; minus strand). Cytogenetic location: 2q36.1.
Variant type: Deletion.
Coding change: c.367del on transcript NM_181458.4 (MANE Select); coding-DNA position 367, one base deleted (A; older notation c.367delA).
Protein change: p.Arg123fs; shifts the reading frame from arginine 123.
Molecular consequence: frameshift variant.
Genome position (GRCh38, 1-based): chr2:222,295,612, T deleted on the plus strand (A on the coding strand, the reverse complement: PAX3 is on the minus strand); the first of 4 consecutive T bases (chr2:222,295,612-222,295,615); deleting any one gives the same sequence. VCF-style (leftmost placement, unchanged base first): chr2-222295611-CT-C. GRCh37 (hg19) VCF-style: chr2-223160330-CT-C.
Other names: c.367del, p.Arg123fs (NM_000438.6, NM_013942.5, NM_181457.4 and 3 more transcripts); c.364del, p.Arg122fs (NM_001127366.3); short protein forms R122fs, R123fs.
Identifiers: ClinVar variation 5038083 (VCV005038083.1).

ClinVar aggregate classification (germline): Likely pathogenic (1 of 4 stars; one submission).

Conditions:
Waardenburg syndrome type 1 (WS1). Also called: WAARDENBURG SYNDROME WITH DYSTOPIA CANTHORUM; Waardenburg Syndrome Type I. Identifiers: Orphanet 894, MedGen C1847800, MONDO:0008670, OMIM 193500.

Submission:

MVZ Medizinische Genetik Mainz
Classification: Likely pathogenic for Waardenburg syndrome type 1. Last evaluated: 2025-11-21. Review status: criteria provided, single submitter. Criteria: UK Practice Guidelines For Variant Classification V4 01 2020. Collection method: clinical testing. Allele origin: germline. Inheritance: Autosomal dominant inheritance. Affected: yes. Observed: 1 variant allele.
Comment: ACMG Criteria: PVS1,PM2_SUP